The following is an entry in ClinVar:

NM_020713.3(ZNF512B):c.1357G>A (p.Ala453Thr)

Gene: ZNF512B (zinc finger protein 512B; minus strand). Cytogenetic location: 20q13.33.
Variant type: single nucleotide variant.
Coding change: c.1357G>A on transcript NM_020713.3 (MANE Select); coding-DNA position 1357, G replaced by A.
Protein change: p.Ala453Thr; replaces alanine 453 with threonine.
Molecular consequence: missense variant.
Genome position (GRCh38, 1-based): chr20:63,964,194, C>T on the plus strand (G>A on the coding strand, the complement: ZNF512B is on the minus strand). VCF-style: chr20-63964194-C-T. GRCh37 (hg19) VCF-style: chr20-62595547-C-T.
Other names: short protein forms A453T.
Identifiers: ClinVar variation 3059672 (VCV003059672.2), dbSNP rs6062599, ClinGen allele CA9971141.
Genomic context (GRCh38, chr20:63,964,194, plus strand): 5'-CCTTCTTCCGGGCGTCCTCAGGGCCTGGCCCCTCCTGCTTCTTGGAGCGGTGAACTCGGG[C>T]CTTGTCCTCAGCTTTGACCAGGCCTGTGTGCACACATGGGGTGGAGAGAAACAGGGATGG-3'
Protein context (NP_065764.1, residues 443-463): LKGLVKAEDK[Ala453Thr]RVHRSKKQEG

ClinVar aggregate classification (germline): Benign (0 of 4 stars; one submission).

Conditions:
ZNF512B-related disorder. Also called: ZNF512B-related condition.

Allele frequency attached by ClinVar (database versions not stated): 1000 Genomes Project 0.07688; 1000 Genomes Project 30x 0.07730; TOPMed 0.13230; ESP Exome Variant Server 0.14647; gnomAD 0.14778; ExAC 0.16994.
gnomAD v4.1: 308,065 of 1,599,138 alleles (19%); highest among the groups gnomAD compares: Non-Finnish European, 22%; 32,576 homozygotes.

Submission:

PreventionGenetics, part of Exact Sciences
Classification: Benign for ZNF512B-related condition. Last evaluated: 2019-10-22. Review status: no assertion criteria provided. Collection method: clinical testing. Allele origin: germline.
Comment: This variant is classified as benign based on ACMG/AMP sequence variant interpretation guidelines (Richards et al. 2015 PMID: 25741868, with internal and published modifications).